The following is an entry in ClinVar:

ClinVar aggregate classification (germline): Uncertain significance (1 of 4 stars; one submission).

Conditions:
Hereditary cancer-predisposing syndrome. Also called: Neoplastic Syndromes, Hereditary; Tumor predisposition; Hereditary neoplastic syndrome; Hereditary Cancer Syndrome. Identifiers: Orphanet 140162, MedGen C0027672, MeSH D009386, MONDO:0015356.

Submission:

Ambry Genetics
Classification: Uncertain significance for Hereditary cancer-predisposing syndrome. Last evaluated: 2024-03-11. Review status: criteria provided, single submitter. Criteria: Ambry Variant Classification Scheme 2023. Collection method: clinical testing. Allele origin: germline.
Comment: The p.E699V variant (also known as c.2096A>T), located in coding exon 9 of the BRCA1 gene, results from an A to T substitution at nucleotide position 2096. The glutamic acid at codon 699 is replaced by valine, an amino acid with dissimilar properties. This amino acid position is not well conserved in available vertebrate species. In addition, the in silico prediction for this alteration is inconclusive. Based on the available evidence, the clinical significance of this alteration remains unclear.

NM_007294.4(BRCA1):c.2096A>T (p.Glu699Val)

Gene: BRCA1 (BRCA1 DNA repair associated; minus strand). Cytogenetic location: 17q21.31.
Variant type: single nucleotide variant.
Coding change: c.2096A>T on transcript NM_007294.4 (MANE Select); coding-DNA position 2096, A replaced by T.
Protein change: p.Glu699Val; replaces glutamic acid 699 with valine.
Molecular consequence: missense variant. On other transcripts: intron variant (137).
Genome position (GRCh38, 1-based): chr17:43,093,435, T>A on the plus strand (A>T on the coding strand, the complement: BRCA1 is on the minus strand). VCF-style: chr17-43093435-T-A. GRCh37 (hg19) VCF-style: chr17-41245452-T-A.
Other names: c.1973A>T, p.Glu658Val (NM_001407679.1, NM_001407680.1, NM_001407681.1 and 19 more transcripts); c.2096A>T, p.Glu699Val (NM_001407684.1, NM_001407581.1, NM_001407582.1 and 30 more transcripts); c.1970A>T, p.Glu657Val (NM_001407685.1, NM_001407649.1, NM_001407670.1 and 11 more transcripts); c.784+1309A>T (NM_001408400.1, NM_001408392.1, NM_001407986.1 and 13 more transcripts); c.664+1309A>T (NM_001408441.1, NM_001408437.1, NM_001408429.1 and 12 more transcripts); c.787+1309A>T (NM_001407979.1, NM_001407977.1, NM_001407982.1 and 17 more transcripts); c.646+1309A>T (NM_001408410.1, NM_001408458.1, NM_001408469.1 and 11 more transcripts); c.709+1309A>T (NM_001408415.1, NM_001408412.1, NM_001408409.1 and 2 more transcripts); and 41 more; short protein forms E403V, E531V, E571V, E572V, E587V, E588V, E610V, E611V.
Identifiers: ClinVar variation 3226112 (VCV003226112.1), dbSNP rs1597872173, ClinGen allele CA10597809.